The following is an entry in ClinVar:

NM_031892.3(SH3KBP1):c.1859G>A (p.Arg620Lys)

Gene: SH3KBP1 (SH3 domain containing kinase binding protein 1; minus strand). Cytogenetic location: Xp22.12.
Variant type: single nucleotide variant.
Coding change: c.1859G>A on transcript NM_031892.3 (MANE Select); coding-DNA position 1859, G replaced by A.
Protein change: p.Arg620Lys; replaces arginine 620 with lysine.
Molecular consequence: missense variant.
Genome position (GRCh38, 1-based): chrX:19,541,958, C>T on the plus strand (G>A on the coding strand, the complement: SH3KBP1 is on the minus strand). VCF-style: chrX-19541958-C-T. GRCh37 (hg19) VCF-style: chrX-19560076-C-T.
Other names: c.1748G>A, p.Arg583Lys (NM_001024666.3); c.1145G>A, p.Arg382Lys (NM_001184960.2); c.1730G>A, p.Arg577Lys (NM_001353890.2); c.1934G>A, p.Arg645Lys (NM_001353891.2); c.1805G>A, p.Arg602Lys (NM_001353892.2); c.1757G>A, p.Arg586Lys (NM_001353893.2); c.1628G>A, p.Arg543Lys (NM_001353894.2); c.1685G>A, p.Arg562Lys (NM_001353895.2); and 4 more; short protein forms R562K, R518K, R586K, R602K, R621K, R382K, R577K, R645K.
Identifiers: ClinVar variation 3698952 (VCV003698952.2).

ClinVar aggregate classification (germline): Uncertain significance (1 of 4 stars; one submission).

gnomAD v4.1: 16 of 1,211,174 alleles (0.0013%); highest among the groups gnomAD compares: Non-Finnish European, 0.0015%; no homozygotes.

Submission:

Labcorp Genetics (formerly Invitae), Labcorp
Classification: Uncertain significance. Last evaluated: 2025-12-31. Review status: criteria provided, single submitter. Criteria: Invitae Variant Classification Sherloc (09022015). Collection method: clinical testing. Allele origin: germline.
Comment: This sequence change replaces arginine, which is basic and polar, with lysine, which is basic and polar, at codon 620 of the SH3KBP1 protein (p.Arg620Lys). This variant is not present in population databases (gnomAD no frequency). This variant has not been reported in the literature in individuals affected with SH3KBP1-related conditions. ClinVar contains an entry for this variant (Variation ID: 3698952). Invitae Evidence Modeling of protein sequence and biophysical properties (such as structural, functional, and spatial information, amino acid conservation, physicochemical variation, residue mobility, and thermodynamic stability) indicates that this missense variant is not expected to disrupt SH3KBP1 protein function with a negative predictive value of 80%. In summary, the available evidence is currently insufficient to determine the role of this variant in disease. Therefore, it has been classified as a Variant of Uncertain Significance.